The following is an entry in ClinVar:

ClinVar aggregate classification (germline): Uncertain significance (1 of 4 stars; one submission).

Submission:

GeneDx
Classification: Uncertain significance. Last evaluated: 2026-01-22. Review status: criteria provided, single submitter. Criteria: GeneDx Variant Classification Process June 2021. Collection method: clinical testing. Allele origin: germline.
Comment: Not observed at significant frequency in large population cohorts (gnomAD); In silico analysis supports that this missense variant has a deleterious effect on protein structure/function; Has not been previously published as pathogenic or benign to our knowledge

NM_170606.3(KMT2C):c.6235C>T (p.Pro2079Ser)

Gene: KMT2C (lysine methyltransferase 2C; minus strand). Cytogenetic location: 7q36.1.
Variant type: single nucleotide variant.
Coding change: c.6235C>T on transcript NM_170606.3 (MANE Select); coding-DNA position 6235, C replaced by T.
Protein change: p.Pro2079Ser; replaces proline 2079 with serine.
Molecular consequence: missense variant.
Genome position (GRCh38, 1-based): chr7:152,181,625, G>A on the plus strand (C>T on the coding strand, the complement: KMT2C is on the minus strand). VCF-style: chr7-152181625-G-A. GRCh37 (hg19) VCF-style: chr7-151878710-G-A.
Other names: short protein forms P2079S.
Identifiers: ClinVar variation 4975531 (VCV004975531.1).